The following is an entry in ClinVar:

NM_025152.3(NUBPL):c.*1888G>A

Gene: NUBPL (NUBP iron-sulfur cluster assembly factor, mitochondrial; plus strand). Cytogenetic location: 14q12.
Variant type: single nucleotide variant.
Coding change: c.*1888G>A on transcript NM_025152.3 (MANE Select); 1888 bases downstream of the stop codon, G replaced by A.
Molecular consequence: 3 prime UTR variant. On other transcripts: non-coding transcript variant (1).
Genome position (GRCh38, 1-based): chr14:31,861,068, G>A. VCF-style: chr14-31861068-G-A. GRCh37 (hg19) VCF-style: chr14-32330274-G-A.
Other names: c.*1888G>A (NM_001201573.2, NM_001201574.2).
Identifiers: ClinVar variation 313073 (VCV000313073.6), dbSNP rs7148746, ClinGen allele CA10640104.

ClinVar aggregate classification (germline): Benign. Review status: criteria provided, multiple submitters, no conflicts (2 of 4 stars). 2 submissions from 2 submitters: Benign (2). Last evaluated 2018-01-12.

Conditions:
Mitochondrial complex I deficiency, nuclear type 1. Also called: NADH-COENZYME Q REDUCTASE DEFICIENCY; MITOCHONDRIAL NADH DEHYDROGENASE COMPONENT OF COMPLEX I, DEFICIENCY OF. Identifiers: MedGen C6022305, MONDO:0100224, OMIM 252010.

Allele frequency attached by ClinVar (database versions not stated): gnomAD 0.20744 and 0.22286; 1000 Genomes Project 0.22764; TOPMed 0.23407; 1000 Genomes Project 30x 0.24047.

Submissions (2):

Illumina Laboratory Services, Illumina
Classification: Benign for Mitochondrial complex I deficiency, nuclear type 1. Last evaluated: 2018-01-12. Review status: criteria provided, single submitter. Criteria: ICSL Variant Classification Criteria 13 December 2019. Collection method: clinical testing. Allele origin: germline.
Comment: This variant was observed in the ICSL laboratory as part of a predisposition screen in an ostensibly healthy population. It had not been previously curated by ICSL or reported in the Human Gene Mutation Database (HGMD: prior to June 1st, 2018), and was therefore a candidate for classification through an automated scoring system. Utilizing variant allele frequency, disease prevalence and penetrance estimates, and inheritance mode, an automated score was calculated to assess if this variant is too frequent to cause the disease. Based on the score and internal cut-off values, a variant classified as benign is not then subjected to further curation. The score for this variant resulted in a classification of benign for this disease.

Breakthrough Genomics
Classification: Benign. Review status: criteria provided, single submitter. Criteria: ACMG Guidelines, 2015. Collection method: not provided. Allele origin: germline. Inheritance: Autosomal recessive inheritance. Affected: yes.